The following is an entry in ClinVar:

NM_000179.3(MSH6):c.3430A>C (p.Met1144Leu)

Gene: MSH6 (mutS homolog 6; plus strand). Cytogenetic location: 2p16.3.
Variant type: single nucleotide variant.
Coding change: c.3430A>C on transcript NM_000179.3 (MANE Select); coding-DNA position 3430, A replaced by C.
Protein change: p.Met1144Leu; replaces methionine 1144 with leucine.
Molecular consequence: missense variant.
Genome position (GRCh38, 1-based): chr2:47,803,677, A>C. VCF-style: chr2-47803677-A-C. GRCh37 (hg19) VCF-style: chr2-48030816-A-C.
Other names: c.3040A>C, p.Met1014Leu (NM_001281492.2); c.2524A>C, p.Met842Leu (NM_001281493.2, NM_001281494.2); short protein forms M842L, M1014L, M1144L.
Identifiers: ClinVar variation 967740 (VCV000967740.10), dbSNP rs771925339, ClinGen allele CA070809.

ClinVar aggregate classification (germline): Conflicting classifications of pathogenicity. Review status: criteria provided, conflicting classifications (1 of 4 stars). 4 submissions from 4 submitters: Uncertain significance (3); Likely benign (1). Last evaluated 2024-06-21.

Conditions:
Hereditary nonpolyposis colorectal neoplasms. Identifiers: MedGen C0009405, MeSH D003123.
Hereditary cancer-predisposing syndrome. Also called: Hereditary neoplastic syndrome; Neoplastic Syndromes, Hereditary; Hereditary Cancer Syndrome; Tumor predisposition. Identifiers: Orphanet 140162, MedGen C0027672, MeSH D009386, MONDO:0015356.
Lynch syndrome. Identifiers: Orphanet 144, MedGen C4552100, MONDO:0005835. Disease mechanism: loss of function.

Allele frequency attached by ClinVar (database versions not stated): gnomAD exomes below 0.00001; ExAC 0.00001.

Submissions (4):

Labcorp Genetics (formerly Invitae), Labcorp
Classification: Likely benign for Hereditary nonpolyposis colorectal neoplasms. Last evaluated: 2024-06-21. Review status: criteria provided, single submitter. Criteria: Invitae Variant Classification Sherloc (09022015). Collection method: clinical testing. Allele origin: germline.

All of Us Research Program, National Institutes of Health
Classification: Uncertain significance for Lynch syndrome. Last evaluated: 2024-04-16. Review status: criteria provided, single submitter. Criteria: ACMG Guidelines, 2015. Collection method: clinical testing. Allele origin: germline. Inheritance: Autosomal dominant inheritance. Observed: 1 variant allele, 1 heterozygote.
Comment: This missense variant replaces methionine with leucine at codon 1144 of the MSH6 protein. Computational prediction suggests that this variant may not impact protein structure and function (internally defined REVEL score threshold <= 0.5, PMID: 27666373). To our knowledge, functional studies have not been reported for this variant. This variant has not been reported in individuals affected with MSH6-related disorders in the literature. This variant has been identified in 1/251308 chromosomes in the general population by the Genome Aggregation Database (gnomAD). The available evidence is insufficient to determine the role of this variant in disease conclusively. Therefore, this variant is classified as a Variant of Uncertain Significance.

This study involves interpretation of variants in research participants for the purpose of population health screening. Participant phenotype was not available at the time of variant classification. Additional details can be found in publication PMID: 35346344, PMCID: PMC8962531

Color Diagnostics, LLC DBA Color Health
Classification: Uncertain significance for Hereditary cancer-predisposing syndrome. Last evaluated: 2024-03-21. Review status: criteria provided, single submitter. Criteria: ACMG Guidelines, 2015. Collection method: clinical testing. Allele origin: germline.
Comment: This missense variant replaces methionine with leucine at codon 1144 of the MSH6 protein. Computational prediction suggests that this variant may not impact protein structure and function. To our knowledge, functional studies have not been reported for this variant. This variant has not been reported in individuals affected with MSH6-related disorders in the literature. This variant has been identified in 1/251308 chromosomes in the general population by the Genome Aggregation Database (gnomAD). The available evidence is insufficient to determine the role of this variant in disease conclusively. Therefore, this variant is classified as a Variant of Uncertain Significance.

Ambry Genetics
Classification: Uncertain significance for Hereditary cancer-predisposing syndrome. Last evaluated: 2023-12-12. Review status: criteria provided, single submitter. Criteria: Ambry Variant Classification Scheme 2023. Collection method: clinical testing. Allele origin: germline.
Comment: The p.M1144L variant (also known as c.3430A>C), located in coding exon 5 of the MSH6 gene, results from an A to C substitution at nucleotide position 3430. The methionine at codon 1144 is replaced by leucine, an amino acid with highly similar properties. This amino acid position is highly conserved in available vertebrate species. In addition, the in silico prediction for this alteration is inconclusive. Since supporting evidence is limited at this time, the clinical significance of this alteration remains unclear.